The following is an entry in ClinVar:

NM_000038.6(APC):c.7292G>T (p.Arg2431Ile)

Gene: APC (APC regulator of Wnt signaling pathway; plus strand). Cytogenetic location: 5q22.2.
Variant type: single nucleotide variant.
Coding change: c.7292G>T on transcript NM_000038.6 (MANE Select); coding-DNA position 7292, G replaced by T.
Protein change: p.Arg2431Ile; replaces arginine 2431 with isoleucine.
Molecular consequence: missense variant.
Genome position (GRCh38, 1-based): chr5:112,842,886, G>T. VCF-style: chr5-112842886-G-T. GRCh37 (hg19) VCF-style: chr5-112178583-G-T.
Other names: c.6905G>T, p.Arg2302Ile (NM_001407467.1, NM_001407469.1); c.6443G>T, p.Arg2148Ile (NM_001407470.1, NM_001354906.2); c.6140G>T, p.Arg2047Ile (NM_001407471.1, NM_001407472.1); c.7292G>T, p.Arg2431Ile (NM_001127510.3, NM_001354895.2, NM_001407450.1); c.7238G>T, p.Arg2413Ile (NM_001127511.3); c.7346G>T, p.Arg2449Ile (NM_001354896.2, NM_001407447.1, NM_001407448.1 and 1 more transcripts); c.7322G>T, p.Arg2441Ile (NM_001354897.2); c.7217G>T, p.Arg2406Ile (NM_001354898.2); and 11 more; short protein forms R2302I, R2047I, R2305I, R2330I, R2348I, R2424I, R2148I, R2271I.
Identifiers: ClinVar variation 1758114 (VCV001758114.2), dbSNP rs879254262, ClinGen allele CA16037212.

ClinVar aggregate classification (germline): Uncertain significance (1 of 4 stars; one submission).

Conditions:
Hereditary cancer-predisposing syndrome. Also called: Neoplastic Syndromes, Hereditary; Tumor predisposition; Hereditary Cancer Syndrome; Hereditary neoplastic syndrome. Identifiers: Orphanet 140162, MedGen C0027672, MeSH D009386, MONDO:0015356.

Submission:

Ambry Genetics
Classification: Uncertain significance for Hereditary cancer-predisposing syndrome. Last evaluated: 2022-01-19. Review status: criteria provided, single submitter. Criteria: Ambry Variant Classification Scheme 2023. Collection method: clinical testing. Allele origin: germline.
Comment: The p.R2431I variant (also known as c.7292G>T), located in coding exon 15 of the APC gene, results from a G to T substitution at nucleotide position 7292. The arginine at codon 2431 is replaced by isoleucine, an amino acid with similar properties. This amino acid position is conserved. In addition, in silico predictors for this gene do not accurately predict pathogenicity. Since supporting evidence is limited at this time, the clinical significance of this alteration remains unclear.